The following is an entry in ClinVar:

NM_032776.3(JMJD1C):c.3203T>C (p.Met1068Thr)

Gene: JMJD1C (jumonji domain containing 1C; minus strand). Cytogenetic location: 10q21.3.
Variant type: single nucleotide variant.
Coding change: c.3203T>C on transcript NM_032776.3 (MANE Select); coding-DNA position 3203, T replaced by C.
Protein change: p.Met1068Thr; replaces methionine 1068 with threonine.
Molecular consequence: missense variant. On other transcripts: non-coding transcript variant (1).
Genome position (GRCh38, 1-based): chr10:63,208,466, A>G on the plus strand (T>C on the coding strand, the complement: JMJD1C is on the minus strand). VCF-style: chr10-63208466-A-G. GRCh37 (hg19) VCF-style: chr10-64968226-A-G.
Other names: c.2657T>C, p.Met886Thr (NM_001282948.2, NM_001318154.2); c.2339T>C, p.Met780Thr (NM_001318153.2); c.3089T>C, p.Met1030Thr (NM_001322252.2); c.2546T>C, p.Met849Thr (NM_001322254.2, NM_001322258.2); short protein forms M780T, M1030T, M1068T, M849T, M886T.
Identifiers: ClinVar variation 3718158 (VCV003718158.2).
Genomic context (GRCh38, chr10:63,208,466, plus strand): 5'-AAACTCTGAGGCACTGAGTGCTTCATTTTATAAAGATCTGATACTGAGCGTTCTACATCC[A>G]TATCTTGTTTGATGATATGGCTTTTAGGACTGGAAGATGATGATGCCACTCTGGAATAAT-3'
Protein context (NP_116165.1, residues 1058-1078): SPKSHIIKQD[Met1068Thr]DVERSVSDLY

ClinVar aggregate classification (germline): Uncertain significance (1 of 4 stars; one submission).

Conditions:
Early Myoclonic Encephalopathy. Identifiers: MedGen C0270855.

Submission:

Labcorp Genetics (formerly Invitae), Labcorp
Classification: Uncertain significance for Early Myoclonic Encephalopathy. Last evaluated: 2024-10-15. Review status: criteria provided, single submitter. Criteria: Invitae Variant Classification Sherloc (09022015). Collection method: clinical testing. Allele origin: germline.
Comment: This sequence change replaces methionine, which is neutral and non-polar, with threonine, which is neutral and polar, at codon 1068 of the JMJD1C protein (p.Met1068Thr). This variant is present in population databases (rs201668338, gnomAD 0.02%). This variant has not been reported in the literature in individuals affected with JMJD1C-related conditions. Invitae Evidence Modeling of protein sequence and biophysical properties (such as structural, functional, and spatial information, amino acid conservation, physicochemical variation, residue mobility, and thermodynamic stability) indicates that this missense variant is not expected to disrupt JMJD1C protein function with a negative predictive value of 80%. In summary, the available evidence is currently insufficient to determine the role of this variant in disease. Therefore, it has been classified as a Variant of Uncertain Significance.